The following is an entry in ClinVar:

ClinVar aggregate classification (germline): Uncertain significance (1 of 4 stars; one submission).

Allele frequency attached by ClinVar (database versions not stated): gnomAD 0.00001; gnomAD exomes 0.00001.
gnomAD v4.1: 9 of 1,610,750 alleles (0.00056%); highest among the groups gnomAD compares: Admixed American, 0.0033%; no homozygotes.

Submission:

Labcorp Genetics (formerly Invitae), Labcorp
Classification: Uncertain significance. Last evaluated: 2021-11-01. Review status: criteria provided, single submitter. Criteria: Invitae Variant Classification Sherloc (09022015). Collection method: clinical testing. Allele origin: germline.
Comment: In summary, the available evidence is currently insufficient to determine the role of this variant in disease. Therefore, it has been classified as a Variant of Uncertain Significance. Algorithms developed to predict the effect of missense changes on protein structure and function output the following: SIFT: "Tolerated"; PolyPhen-2: "Benign"; Align-GVGD: "Class C0". The tyrosine amino acid residue is found in multiple mammalian species, which suggests that this missense change does not adversely affect protein function. This variant has not been reported in the literature in individuals affected with OBSL1-related conditions. This variant is present in population databases (no rsID available, gnomAD 0.006%). This sequence change replaces histidine, which is basic and polar, with tyrosine, which is neutral and polar, at codon 1838 of the OBSL1 protein (p.His1838Tyr).

NM_015311.3(OBSL1):c.5512C>T (p.His1838Tyr)

Gene: OBSL1 (obscurin like cytoskeletal adaptor 1; minus strand). Cytogenetic location: 2q35.
Variant type: single nucleotide variant.
Coding change: c.5512C>T on transcript NM_015311.3 (MANE Select); coding-DNA position 5512, C replaced by T.
Protein change: p.His1838Tyr; replaces histidine 1838 with tyrosine.
Molecular consequence: missense variant.
Genome position (GRCh38, 1-based): chr2:219,551,700, G>A on the plus strand (C>T on the coding strand, the complement: OBSL1 is on the minus strand). VCF-style: chr2-219551700-G-A. GRCh37 (hg19) VCF-style: chr2-220416422-G-A.
Other names: short protein forms H1838Y.
Identifiers: ClinVar variation 1348953 (VCV001348953.5), dbSNP rs1373001473, ClinGen allele CA350716574.